The following is an entry in ClinVar:

ClinVar aggregate classification (germline): Uncertain significance. Review status: criteria provided, multiple submitters, no conflicts (2 of 4 stars). 2 submissions from 2 submitters: Uncertain significance (2). Last evaluated 2024-12-12.

Allele frequency attached by ClinVar (database versions not stated): ExAC 0.00002; gnomAD 0.00003; gnomAD exomes 0.00003; TOPMed 0.00003.
gnomAD v4.1: 51 of 1,613,874 alleles (0.0032%); highest among the groups gnomAD compares: Non-Finnish European, 0.0041%; no homozygotes.

Submissions (2):

Labcorp Genetics (formerly Invitae), Labcorp
Classification: Uncertain significance. Last evaluated: 2024-12-12. Review status: criteria provided, single submitter. Criteria: Invitae Variant Classification Sherloc (09022015). Collection method: clinical testing. Allele origin: germline.
Comment: This sequence change replaces leucine, which is neutral and non-polar, with arginine, which is basic and polar, at codon 1618 of the NIN protein (p.Leu1618Arg). The frequency data for this variant in the population databases is considered unreliable, as metrics indicate poor data quality at this position in the gnomAD database. This variant has not been reported in the literature in individuals affected with NIN-related conditions. ClinVar contains an entry for this variant (Variation ID: 2183463). An algorithm developed to predict the effect of missense changes on protein structure and function (PolyPhen-2) suggests that this variant is likely to be disruptive. In summary, the available evidence is currently insufficient to determine the role of this variant in disease. Therefore, it has been classified as a Variant of Uncertain Significance.

Ambry Genetics
Classification: Uncertain significance. Last evaluated: 2022-01-05. Review status: criteria provided, single submitter. Criteria: Ambry Variant Classification Scheme 2023. Collection method: clinical testing. Allele origin: germline.

NM_020921.4(NIN):c.4853T>G (p.Leu1618Arg)

Gene: NIN (ninein; minus strand). Cytogenetic location: 14q22.1.
Variant type: single nucleotide variant.
Coding change: c.4853T>G on transcript NM_020921.4 (MANE Select); coding-DNA position 4853, T replaced by G.
Protein change: p.Leu1618Arg; replaces leucine 1618 with arginine.
Molecular consequence: missense variant.
Genome position (GRCh38, 1-based): chr14:50,752,615, A>C on the plus strand (T>G on the coding strand, the complement: NIN is on the minus strand). VCF-style: chr14-50752615-A-C. GRCh37 (hg19) VCF-style: chr14-51219333-A-C.
Other names: c.4853T>G (NM_020921.3); c.2714T>G, p.Leu905Arg (NM_016350.5); c.4853T>G, p.Leu1618Arg (NM_182944.3, NM_182946.2); short protein forms L1618R, L905R.
Identifiers: ClinVar variation 2183463 (VCV002183463.5), dbSNP rs749850147, ClinGen allele CA7181479.